The following is an entry in ClinVar:

ClinVar aggregate classification (germline): Uncertain significance. Review status: criteria provided, multiple submitters, no conflicts (2 of 4 stars). 3 submissions from 3 submitters: Uncertain significance (3). Last evaluated 2025-10-06.

Conditions:
DVL3-related disorder. Also called: DVL3-related condition.
Inborn genetic diseases. Identifiers: MedGen C0950123, MeSH D030342.

Allele frequency attached by ClinVar (database versions not stated): gnomAD 0.00010; gnomAD exomes 0.00011; 1000 Genomes Project 30x 0.00016; TOPMed 0.00016; ExAC 0.00029.

Submissions (3):

Labcorp Genetics (formerly Invitae), Labcorp
Classification: Uncertain significance. Last evaluated: 2025-10-06. Review status: criteria provided, single submitter. Criteria: Invitae Variant Classification Sherloc (09022015). Collection method: clinical testing. Allele origin: germline.
Comment: This sequence change replaces arginine, which is basic and polar, with glutamine, which is neutral and polar, at codon 614 of the DVL3 protein (p.Arg614Gln). This variant is present in population databases (rs769756736, gnomAD 0.02%). This variant has not been reported in the literature in individuals affected with DVL3-related conditions. ClinVar contains an entry for this variant (Variation ID: 2048279). An algorithm developed to predict the effect of missense changes on protein structure and function (PolyPhen-2) suggests that this variant is likely to be disruptive. In summary, the available evidence is currently insufficient to determine the role of this variant in disease. Therefore, it has been classified as a Variant of Uncertain Significance.

PreventionGenetics, part of Exact Sciences
Classification: Uncertain significance for DVL3-related condition. Last evaluated: 2025-04-09. Review status: criteria provided, single submitter. Criteria: ACMG Guidelines, 2015. Collection method: clinical testing. Allele origin: germline.
Comment: The DVL3 c.1841G>A variant is predicted to result in the amino acid substitution p.Arg614Gln. To our knowledge, this variant has not been reported in the literature. This variant is reported in 0.024% of alleles in individuals of European (Non-Finnish) descent in gnomAD. Although we suspect that this variant may be benign, at this time, the clinical significance of this variant is uncertain due to the absence of conclusive functional and genetic evidence.

Ambry Genetics
Classification: Uncertain significance for Inborn genetic diseases. Last evaluated: 2023-04-25. Review status: criteria provided, single submitter. Criteria: Ambry Variant Classification Scheme 2023. Collection method: clinical testing. Allele origin: germline.

NM_004423.4(DVL3):c.1841G>A (p.Arg614Gln)

Gene: DVL3 (dishevelled segment polarity protein 3; plus strand). Cytogenetic location: 3q27.1.
Variant type: single nucleotide variant.
Coding change: c.1841G>A on transcript NM_004423.4 (MANE Select); coding-DNA position 1841, G replaced by A.
Protein change: p.Arg614Gln; replaces arginine 614 with glutamine.
Molecular consequence: missense variant.
Genome position (GRCh38, 1-based): chr3:184,170,445, G>A. VCF-style: chr3-184170445-G-A. GRCh37 (hg19) VCF-style: chr3-183888233-G-A.
Other names: c.1841G>A (NM_004423.3); short protein forms R614Q.
Identifiers: ClinVar variation 2048279 (VCV002048279.7), dbSNP rs769756736, ClinGen allele CA2727528.